The following is an entry in ClinVar:

NM_004752.4(GCM2):c.303G>A (p.Leu101=)

Gene: GCM2 (GCM transcription factor 2; minus strand). Cytogenetic location: 6p24.2.
Variant type: single nucleotide variant.
Coding change: c.303G>A on transcript NM_004752.4 (MANE Select); coding-DNA position 303, G replaced by A.
Protein change: p.Leu101=; no amino-acid change (leucine 101 retained).
Molecular consequence: synonymous variant.
Genome position (GRCh38, 1-based): chr6:10,877,180, C>T on the plus strand (G>A on the coding strand, the complement: GCM2 is on the minus strand). VCF-style: chr6-10877180-C-T. GRCh37 (hg19) VCF-style: chr6-10877413-C-T.
Identifiers: ClinVar variation 2656223 (VCV002656223.24), dbSNP rs387907432, ClinGen allele CA3634120.
Genomic context (GRCh38, chr6:10,877,180, plus strand): 5'-CCCTGGCCCCATGTCCTCACTCTGCTGTTTCAGCCGTGCCTTGTCGCAGATGGCCGGCCT[C>T]AGCTGCAGGCGGGAACCGTCGGGCAGGGTGCAGGCCTGTGTACACACCACCACACCCAGG-3'
Protein context (NP_004743.1, residues 91-111): CTLPDGSRLQ[Leu101=]RPAICDKARL

ClinVar aggregate classification (germline): Likely benign (1 of 4 stars; one submission).

Allele frequency attached by ClinVar (database versions not stated): ExAC 0.00001.
gnomAD v4.1: 4 of 1,613,850 alleles (0.00025%); highest among the groups gnomAD compares: African/African-American, 0.0013%; no homozygotes.

Submission:

CeGaT Center for Human Genetics Tuebingen
Classification: Likely benign. Last evaluated: 2022-11-01. Review status: criteria provided, single submitter. Criteria: CeGaT Center For Human Genetics Tuebingen Variant Classification Criteria Version 2. Collection method: clinical testing. Allele origin: germline. Affected: yes. Observed: 1 variant allele.
Comment: GCM2: BP4, BP7